The following is an entry in ClinVar:

NM_012471.3(TRPC5):c.358C>T (p.Arg120Trp)

Gene: TRPC5 (transient receptor potential cation channel subfamily C member 5; minus strand). Cytogenetic location: Xq23.
Variant type: single nucleotide variant.
Coding change: c.358C>T on transcript NM_012471.3 (MANE Select); coding-DNA position 358, C replaced by T.
Protein change: p.Arg120Trp; replaces arginine 120 with tryptophan.
Molecular consequence: missense variant.
Genome position (GRCh38, 1-based): chrX:111,952,063, G>A on the plus strand (C>T on the coding strand, the complement: TRPC5 is on the minus strand). VCF-style: chrX-111952063-G-A. GRCh37 (hg19) VCF-style: chrX-111195291-G-A.
Other names: NC_000023.10:g.111195291G>A; short protein forms R120W.
Identifiers: ClinVar variation 3355095 (VCV003355095.3).

ClinVar aggregate classification (germline): Uncertain significance (1 of 4 stars; one submission).

Conditions:
TRPC5-related disorder. Also called: TRPC5-related condition.

gnomAD v4.1: 9 of 1,207,561 alleles (0.00075%); highest among the groups gnomAD compares: East Asian, 0.003%; no homozygotes.

Submissions (2):

PreventionGenetics, part of Exact Sciences
Classification: Uncertain significance for TRPC5-related condition. Last evaluated: 2025-05-23. Review status: criteria provided, single submitter. Criteria: ACMG Guidelines, 2015. Collection method: clinical testing. Allele origin: germline.
Comment: The TRPC5 c.358C>T variant is predicted to result in the amino acid substitution p.Arg120Trp. To our knowledge, this variant has not been reported in the literature. This variant is reported in 0.0072% of alleles in individuals of East Asian descent in gnomAD including one hemizygous individual. At this time, the clinical significance of this variant is uncertain due to the absence of conclusive functional and genetic evidence.

Dr. Peter K. Rogan Lab, Western University
No classification provided (evidence only). Condition: Thyroid cancer, nonmedullary, 1. Review status: no classification provided. Collection method: in vitro. Allele origin: not applicable. Functional consequence: retained intron. Not counted in ClinVar's aggregate classification.